The following is an entry in ClinVar:

ClinVar aggregate classification (germline): Conflicting classifications of pathogenicity. Review status: criteria provided, conflicting classifications (1 of 4 stars). 6 submissions from 6 submitters: Uncertain significance (3); Likely benign (3). Last evaluated 2026-03-24.

Conditions:
TTN-related disorder. Also called: TTN-related disorders; TTN-related condition; TTN-related disease.

Allele frequency attached by ClinVar (database versions not stated): gnomAD exomes 0.00003 and 0.00010; gnomAD 0.00005 and 0.00006; ESP Exome Variant Server 0.00008; TOPMed 0.00008; ExAC 0.00012.
gnomAD v4.1: 50 of 1,613,530 alleles (0.0031%); highest among the groups gnomAD compares: Middle Eastern, 0.033%; no homozygotes.

Submissions (6):

PreventionGenetics, part of Exact Sciences
Classification: Uncertain significance for TTN-related condition. Last evaluated: 2026-03-24. Review status: criteria provided, single submitter. Criteria: ACMG Guidelines, 2015. Collection method: clinical testing. Allele origin: germline.
Comment: The TTN c.26056G>A variant is predicted to result in the amino acid substitution p.Gly8686Ser. To our knowledge, this variant has not been reported in the literature. This variant is reported in 0.048% of alleles in individuals of Latino descent in gnomAD. At this time, the clinical significance of this variant is uncertain due to the absence of conclusive functional and genetic evidence.

Revvity Omics, Revvity
Classification: Uncertain significance. Last evaluated: 2024-09-22. Review status: criteria provided, single submitter. Criteria: ACMG Guidelines, 2015. Collection method: clinical testing. Allele origin: germline.

CeGaT Center for Human Genetics Tuebingen
Classification: Likely benign. Last evaluated: 2023-09-01. Review status: criteria provided, single submitter. Criteria: CeGaT Center For Human Genetics Tuebingen Variant Classification Criteria Version 2. Collection method: clinical testing. Allele origin: germline. Affected: yes. Observed: 1 variant allele.
Comment: TTN: BP4, BS1

Blueprint Genetics
Classification: Likely benign. Last evaluated: 2022-02-22. Review status: criteria provided, single submitter. Criteria: ACMG Guidelines, 2015. Collection method: clinical testing. Allele origin: germline.

GeneDx
Classification: Likely benign. Last evaluated: 2019-06-12. Review status: criteria provided, single submitter. Criteria: GeneDx Variant Classification Process June 2021. Collection method: clinical testing. Allele origin: germline. Affected: yes.

Eurofins Ntd Llc (ga)
Classification: Uncertain significance. Last evaluated: 2018-07-31. Review status: criteria provided, single submitter. Criteria: EGL ClinVar v180209 classification definitions. Collection method: clinical testing. Allele origin: germline. Observed: 1 variant allele, 1 heterozygote.

NM_001267550.2(TTN):c.26056G>A (p.Gly8686Ser)

Gene: TTN (titin; minus strand). Cytogenetic location: 2q31.2.
Variant type: single nucleotide variant.
Coding change: c.26056G>A on transcript NM_001267550.2 (MANE Select); coding-DNA position 26056, G replaced by A.
Protein change: p.Gly8686Ser; replaces glycine 8686 with serine.
Molecular consequence: missense variant. On other transcripts: intron variant (3).
Genome position (GRCh38, 1-based): chr2:178,715,130, C>T on the plus strand (G>A on the coding strand, the complement: TTN is on the minus strand). VCF-style: chr2-178715130-C-T. GRCh37 (hg19) VCF-style: chr2-179579857-C-T.
Other names: c.25105G>A, p.Gly8369Ser (NM_001256850.1); c.22324G>A, p.Gly7442Ser (NM_133378.4); c.13282+22952G>A (NM_003319.4); c.13858+22952G>A (NM_133437.4); c.13657+22952G>A (NM_133432.3); short protein forms G7442S, G8686S, G8369S.
Identifiers: ClinVar variation 598203 (VCV000598203.35), dbSNP rs370578197, ClinGen allele CA2000080.